The following is an entry in ClinVar:

ClinVar aggregate classification (germline): Uncertain significance (1 of 4 stars; one submission).

Allele frequency attached by ClinVar (database versions not stated): gnomAD exomes below 0.00001 and 0.00001.
gnomAD v4.1: 11 of 1,613,758 alleles (0.00068%); highest among the groups gnomAD compares: Non-Finnish European, 0.00093%; no homozygotes.

Submission:

Labcorp Genetics (formerly Invitae), Labcorp
Classification: Uncertain significance. Last evaluated: 2021-05-30. Review status: criteria provided, single submitter. Criteria: Invitae Variant Classification Sherloc (09022015). Collection method: clinical testing. Allele origin: germline.
Comment: In summary, the available evidence is currently insufficient to determine the role of this variant in disease. Therefore, it has been classified as a Variant of Uncertain Significance. Algorithms developed to predict the effect of missense changes on protein structure and function are either unavailable or do not agree on the potential impact of this missense change (SIFT: "Not Available"; PolyPhen-2: "Possibly Damaging"; Align-GVGD: "Not Available"). This variant has not been reported in the literature in individuals with MYO18B-related conditions. This variant is not present in population databases (ExAC no frequency). This sequence change replaces glutamic acid with aspartic acid at codon 993 of the MYO18B protein (p.Glu993Asp). The glutamic acid residue is weakly conserved and there is a small physicochemical difference between glutamic acid and aspartic acid.

NM_032608.7(MYO18B):c.2979G>C (p.Glu993Asp)

Gene: MYO18B (myosin XVIIIB; plus strand). Cytogenetic location: 22q12.1.
Variant type: single nucleotide variant.
Coding change: c.2979G>C on transcript NM_032608.7 (MANE Select); coding-DNA position 2979, G replaced by C.
Protein change: p.Glu993Asp; replaces glutamic acid 993 with aspartic acid.
Molecular consequence: missense variant.
Genome position (GRCh38, 1-based): chr22:25,828,968, G>C. VCF-style: chr22-25828968-G-C. GRCh37 (hg19) VCF-style: chr22-26224935-G-C.
Other names: c.2979G>C, p.Glu993Asp (NM_001318245.2); short protein forms E993D.
Identifiers: ClinVar variation 1357385 (VCV001357385.8), dbSNP rs1412542586, ClinGen allele CA411000769.